The following is an entry in ClinVar:

NM_006950.3(SYN1):c.1169C>A (p.Ser390Tyr)

Gene: SYN1 (synapsin I; minus strand). Cytogenetic location: Xp11.3.
Variant type: single nucleotide variant.
Coding change: c.1169C>A on transcript NM_006950.3 (MANE Select); coding-DNA position 1169, C replaced by A.
Protein change: p.Ser390Tyr; replaces serine 390 with tyrosine.
Molecular consequence: missense variant.
Genome position (GRCh38, 1-based): chrX:47,575,264, G>T on the plus strand (C>A on the coding strand, the complement: SYN1 is on the minus strand). VCF-style: chrX-47575264-G-T. GRCh37 (hg19) VCF-style: chrX-47434663-G-T.
Other names: c.1169C>A, p.Ser390Tyr (NM_133499.2); short protein forms S390Y.
Identifiers: ClinVar variation 589475 (VCV000589475.5), dbSNP rs1569322942, ClinGen allele CA412825942.

ClinVar aggregate classification (germline): Uncertain significance (1 of 4 stars; one submission).

Conditions:
Inborn genetic diseases. Identifiers: MedGen C0950123, MeSH D030342.

Submission:

Ambry Genetics
Classification: Uncertain significance for Inborn genetic diseases. Last evaluated: 2016-12-19. Review status: criteria provided, single submitter. Criteria: Ambry Variant Classification Scheme 2023. Collection method: clinical testing. Allele origin: germline.
Comment: The p.S390Y variant (also known as c.1169C>A), located in coding exon 10 of the SYN1 gene, results from a C to A substitution at nucleotide position 1169. The serine at codon 390 is replaced by tyrosine, an amino acid with dissimilar properties. This amino acid position is well conserved in available vertebrate species. In addition, the in silico prediction for this alteration is inconclusive. Since supporting evidence is limited at this time, the clinical significance of this variant remains unclear.